The following is an entry in ClinVar:

NC_000023.10:g.(?_53270946)_(53271111_?)del

Gene: IQSEC2 (IQ motif and Sec7 domain ArfGEF 2; minus strand). Cytogenetic location: Xp11.22.
Variant type: Deletion.
Identifiers: ClinVar variation 1076348 (VCV001076348.8).

ClinVar aggregate classification (germline): Pathogenic (1 of 4 stars; one submission).

Conditions:
Intellectual developmental disorder, X-linked 1. Also called: Atkin Flaitz Patil Smith syndrome; Intellectual disability, X-linked 1; MENTAL RETARDATION, X-LINKED 18; MENTAL RETARDATION, X-LINKED 78. Identifiers: Orphanet 777, MedGen C2931498, MONDO:0010656, OMIM 309530.

Submission:

Labcorp Genetics (formerly Invitae), Labcorp
Classification: Pathogenic for Intellectual developmental disorder, X-linked 1. Last evaluated: 2023-12-08. Review status: criteria provided, single submitter. Criteria: Invitae Variant Classification Sherloc (09022015). Collection method: clinical testing. Allele origin: germline.
Comment: This variant is a gross deletion of the genomic region encompassing exon(s) 10 of the IQSEC2 gene. This variant would be expected to be in-frame, preserving the integrity of the reading frame. A similar copy number variant has been observed in individual(s) with clinical features of IQSEC2-related conditions (Invitae). In at least one individual the variant was observed to be de novo. This variant disrupts the p.Arg995 amino acid residue in IQSEC2. Other variant(s) that disrupt this residue have been determined to be pathogenic (PMID: 29322350). This suggests that this residue is clinically significant, and that variants that disrupt this residue are likely to be disease-causing. For these reasons, this variant has been classified as Pathogenic.

Literature cited by the submitters: PubMed 29322350.